The following is an entry in ClinVar:

NM_007294.4(BRCA1):c.3275A>T (p.Glu1092Val)

Genes: BRCA1 (BRCA1 DNA repair associated; minus strand), LOC126862571 (BRD4-independent group 4 enhancer GRCh37_chr17:41243136-41244335; plus strand). Cytogenetic location: 17q21.31.
Variant type: single nucleotide variant.
Coding change: c.3275A>T on transcript NM_007294.4 (MANE Select); coding-DNA position 3275, A replaced by T.
Protein change: p.Glu1092Val; replaces glutamic acid 1092 with valine.
Molecular consequence: missense variant. On other transcripts: intron variant (137).
Genome position (GRCh38, 1-based): chr17:43,092,256, T>A on the plus strand (A>T on the coding strand, the complement: BRCA1 is on the minus strand). VCF-style: chr17-43092256-T-A. GRCh37 (hg19) VCF-style: chr17-41244273-T-A.
Other names: c.3272A>T, p.Glu1091Val (NM_001407644.1, NM_001407645.1, NM_001407587.1 and 22 more transcripts); c.785-1224A>T (NM_001407985.1, NM_001408397.1, NM_001408401.1 and 13 more transcripts); c.3266A>T, p.Glu1089Val (NM_001407646.1, NM_001407647.1); c.548-1224A>T (NM_001408494.1); c.665-1224A>T (NM_001408444.1, NM_001408438.1, NM_001408430.1 and 12 more transcripts); c.671-1224A>T (NM_001408420.1, NM_001408423.1, NM_001408419.1 and 2 more transcripts); c.788-1224A>T (NM_001408404.1, NM_001408472.1, NM_001407990.1 and 17 more transcripts); c.3197A>T, p.Glu1066Val (NM_001407653.1, NM_001407654.1, NM_001407655.1 and 4 more transcripts); and 41 more; short protein forms E1051V, E1089V, E1091V, E964V, E980V, E981V, E1021V, E1045V.
Identifiers: ClinVar variation 3481846 (VCV003481846.1).
Genomic context (GRCh38, chr17:43,092,256, plus strand): 5'-TCTTGCTTTTTTATTTCAGGATGCTTACAATTACTTCCAGGAAGACTTTGTTTATAGACC[T>A]CAGGTTGCAAAACCCCTAATCTAAGCATAGCATTCAATTTTGGCCCTCTGTTTCTACCTA-3'
Protein context (NP_009225.1, residues 1082-1102): AMLRLGVLQP[Glu1092Val]VYKQSLPGSN

ClinVar aggregate classification (germline): Uncertain significance (1 of 4 stars; one submission).

Conditions:
Hereditary cancer-predisposing syndrome. Also called: Tumor predisposition; Neoplastic Syndromes, Hereditary; Hereditary Cancer Syndrome; Hereditary neoplastic syndrome. Identifiers: Orphanet 140162, MedGen C0027672, MeSH D009386, MONDO:0015356.

Submission:

Ambry Genetics
Classification: Uncertain significance for Hereditary cancer-predisposing syndrome. Last evaluated: 2024-08-19. Review status: criteria provided, single submitter. Criteria: Ambry Variant Classification Scheme 2023. Collection method: clinical testing. Allele origin: germline.
Comment: The p.E1092V variant (also known as c.3275A>T), located in coding exon 9 of the BRCA1 gene, results from an A to T substitution at nucleotide position 3275. The glutamic acid at codon 1092 is replaced by valine, an amino acid with dissimilar properties. This amino acid position is conserved. In addition, the in silico prediction for this alteration is inconclusive. Based on the available evidence, the clinical significance of this variant remains unclear.